The following is an entry in ClinVar:

NM_152309.3(PIK3AP1):c.143G>A (p.Gly48Asp)

Gene: PIK3AP1 (phosphoinositide-3-kinase adaptor protein 1; minus strand). Cytogenetic location: 10q24.1.
Variant type: single nucleotide variant.
Coding change: c.143G>A on transcript NM_152309.3 (MANE Select); coding-DNA position 143, G replaced by A.
Protein change: p.Gly48Asp; replaces glycine 48 with aspartic acid.
Molecular consequence: missense variant.
Genome position (GRCh38, 1-based): chr10:96,709,854, C>T on the plus strand (G>A on the coding strand, the complement: PIK3AP1 is on the minus strand). VCF-style: chr10-96709854-C-T. GRCh37 (hg19) VCF-style: chr10-98469611-C-T.
Other names: short protein forms G48D.
Identifiers: ClinVar variation 1478394 (VCV001478394.8), dbSNP rs1249665321, ClinGen allele CA377760094.

ClinVar aggregate classification (germline): Uncertain significance (1 of 4 stars; one submission).

Conditions:
Infantile spasms. Also called: Infantile spasm. Identifiers: MedGen C3887898, HP:0012469.

Allele frequency attached by ClinVar (database versions not stated): gnomAD exomes below 0.00001.
gnomAD v4.1: 3 of 1,613,964 alleles (0.00019%); highest among the groups gnomAD compares: South Asian, 0.0022%; no homozygotes.

Submission:

Labcorp Genetics (formerly Invitae), Labcorp
Classification: Uncertain significance for Infantile spasms. Last evaluated: 2021-02-02. Review status: criteria provided, single submitter. Criteria: Invitae Variant Classification Sherloc (09022015). Collection method: clinical testing. Allele origin: germline.
Comment: In summary, the available evidence is currently insufficient to determine the role of this variant in disease. Therefore, it has been classified as a Variant of Uncertain Significance. Algorithms developed to predict the effect of missense changes on protein structure and function output the following: SIFT: "Tolerated"; PolyPhen-2: "Benign"; Align-GVGD: "Class C0". The aspartic acid amino acid residue is found in multiple mammalian species, suggesting that this missense change does not adversely affect protein function. These predictions have not been confirmed by published functional studies and their clinical significance is uncertain. This variant has not been reported in the literature in individuals with PIK3AP1-related conditions. This variant is not present in population databases (ExAC no frequency). This sequence change replaces glycine with aspartic acid at codon 48 of the PIK3AP1 protein (p.Gly48Asp). The glycine residue is weakly conserved and there is a moderate physicochemical difference between glycine and aspartic acid.